The following is an entry in ClinVar:

ClinVar aggregate classification (germline): Pathogenic (3 of 4 stars; one submission).

Conditions:
Breast-ovarian cancer, familial, susceptibility to, 1 (BROVCA1). Also called: BRCA1 Hereditary Breast and Ovarian Cancer; OVARIAN CANCER, SUSCEPTIBILITY TO. Identifiers: Orphanet 145, MedGen C2676676, MONDO:0011450, OMIM 604370. Disease mechanism: loss of function.

Submission:

Evidence-based Network for the Interpretation of Germline Mutant Alleles (ENIGMA)
Classification: Pathogenic for Breast-ovarian cancer, familial, susceptibility to, 1. Last evaluated: 2017-12-15. Review status: reviewed by expert panel. Criteria: ENIGMA BRCA1/2 Classification Criteria (2017-06-29). Collection method: curation. Allele origin: germline. Study: ENIGMA.
Comment: Variant allele predicted to encode a truncated non-functional protein.

NM_007294.4(BRCA1):c.905dup (p.Ala302_Glu303insTer)

Gene: BRCA1 (BRCA1 DNA repair associated; minus strand). Cytogenetic location: 17q21.31.
Variant type: Duplication.
Coding change: c.905dup on transcript NM_007294.4 (MANE Select); coding-DNA position 905, one base duplicated (C; older notation c.905dupC).
Protein change: p.Ala302_Glu303insTer.
Molecular consequence: frameshift variant. On other transcripts: nonsense (1), intron variant (137).
Genome position (GRCh38, 1-based): chr17:43,094,626, G duplicated on the plus strand (C on the coding strand, the reverse complement: BRCA1 is on the minus strand). VCF-style (leftmost placement, unchanged base first): chr17-43094625-A-AG. GRCh37 (hg19) VCF-style: chr17-41246642-A-AG.
Other names: c.905dupC (NM_007294.3); c.641dup, p.Ala214_Glu215insTer (NM_001407928.1, NM_001407929.1, NM_001407933.1 and 9 more transcripts); c.638dup, p.Ala213_Glu214insTer (NM_001407930.1, NM_001407931.1, NM_001407932.1 and 2 more transcripts); c.782dup, p.Ala261_Glu262insTer (NM_001407937.1, NM_001407938.1, NM_001407939.1 and 19 more transcripts); c.779dup, p.Ala260_Glu261insTer (NM_001407940.1, NM_001407941.1, NM_001407649.1 and 11 more transcripts); c.764dup, p.Ala255_Glu256insTer (NM_001407942.1, NM_001407944.1, NM_001407945.1 and 29 more transcripts); c.761dup, p.Ala254_Glu255insTer (NM_001407943.1, NM_001407964.1, NM_001407740.1 and 20 more transcripts); c.572dup, p.Ala191_Glu192insTer (NM_001407946.1, NM_001407947.1, NM_001407948.1 and 6 more transcripts); and 41 more.
Identifiers: ClinVar variation 548159 (VCV000548159.2), dbSNP rs1555592859, ClinGen allele CA658824548.
Genomic context (GRCh38, chr17:43,094,625, plus strand): 5'-AGCCCATCTGTTATGTTGGCTCCTTGCTAAGCCAGGCTGTTTGCTTTTATTACAGAATTC[A>AG]GCCTTTTCTACATTCATTCTGTCTTTAGTGAGTAATAAACTGCTGTTCTCATGCTGTAAT-3'